The following is an entry in ClinVar:

NM_006642.5(SDCCAG8):c.220+2T>C

Gene: SDCCAG8 (SHH signaling and ciliogenesis regulator SDCCAG8; plus strand). Cytogenetic location: 1q43.
Variant type: single nucleotide variant.
Coding change: c.220+2T>C on transcript NM_006642.5 (MANE Select); the canonical splice donor site of the intron after coding-DNA position 220, T replaced by C.
Molecular consequence: splice donor variant.
Genome position (GRCh38, 1-based): chr1:243,270,259, T>C. VCF-style: chr1-243270259-T-C. GRCh37 (hg19) VCF-style: chr1-243433561-T-C.
Other names: c.-75+2T>C (NM_001350249.2); c.-1154+2T>C (NM_001350251.2); c.220+2T>C (NM_001350248.2); c.-893+2T>C (NM_001350246.2); c.-781+2T>C (NM_001350247.2).
Identifiers: ClinVar variation 631600 (VCV000631600.13), dbSNP rs757796329, ClinGen allele CA1483222.

ClinVar aggregate classification (germline): Conflicting classifications of pathogenicity. Review status: criteria provided, conflicting classifications (1 of 4 stars). 3 submissions from 3 submitters: Likely pathogenic (1); Uncertain significance (2). Last evaluated 2025-09-07.

Conditions:
Senior-Loken syndrome 7 (SLSN7). Identifiers: Orphanet 3156, MedGen C3150877, MONDO:0013326, OMIM 613615.
Bardet-Biedl syndrome 16 (BBS16). Identifiers: Orphanet 110, MedGen C3889474, MONDO:0014444, OMIM 615993.
Inborn genetic diseases. Identifiers: MedGen C0950123, MeSH D030342.

Allele frequency attached by ClinVar (database versions not stated): gnomAD exomes 0.00001 and 0.00006; gnomAD 0.00003; TOPMed 0.00005; ExAC 0.00007.
gnomAD v4.1: 14 of 1,613,804 alleles (0.00087%); highest among the groups gnomAD compares: East Asian, 0.029%; no homozygotes.

Submissions (3):

Labcorp Genetics (formerly Invitae), Labcorp
Classification: Likely pathogenic for Bardet-Biedl syndrome 16; Senior-Loken syndrome 7. Last evaluated: 2025-09-07. Review status: criteria provided, single submitter. Criteria: Invitae Variant Classification Sherloc (09022015). Collection method: clinical testing. Allele origin: germline.
Comment: This sequence change affects a donor splice site in intron 2 of the SDCCAG8 gene. It is expected to disrupt RNA splicing. Variants that disrupt the donor or acceptor splice site typically lead to a loss of protein function (PMID: 16199547), and loss-of-function variants in SDCCAG8 are known to be pathogenic (PMID: 20835237, 22190896). This variant is present in population databases (rs757796329, gnomAD 0.08%). This variant has not been reported in the literature in individuals affected with SDCCAG8-related conditions. ClinVar contains an entry for this variant (Variation ID: 631600). Algorithms developed to predict the effect of sequence changes on RNA splicing suggest that this variant may disrupt the consensus splice site. In summary, the currently available evidence indicates that the variant is pathogenic, but additional data are needed to prove that conclusively. Therefore, this variant has been classified as Likely Pathogenic.

Ambry Genetics
Classification: Uncertain significance for Inborn genetic diseases. Last evaluated: 2025-03-19. Review status: criteria provided, single submitter. Criteria: Ambry Variant Classification Scheme 2023. Collection method: clinical testing. Allele origin: germline.
Comment: Resulting transcript is predicted to be in-frame and is not expected to trigger nonsense-mediated mRNA decay. Based on insufficient or conflicting evidence, the clinical significance of this alteration remains unclear.

Juno Genomics, Hangzhou Juno Genomics, Inc
Classification: Uncertain significance for Senior-Loken syndrome 7; Bardet-Biedl syndrome 16. Review status: criteria provided, single submitter. Criteria: ACMG Guidelines, 2015. Collection method: clinical testing. Allele origin: germline.
Comment: Absent from controls (or at extremely low frequency if recessive) in Genome Aggregation Database.;Null variant in a gene where loss of function (LOF) is a known mechanism of disease.

Literature cited by the submitters: PubMed 16199547 (cited by Labcorp Genetics (formerly Invitae), Labcorp); PubMed 20835237 (cited by Labcorp Genetics (formerly Invitae), Labcorp); PubMed 22190896 (cited by Labcorp Genetics (formerly Invitae), Labcorp).